The following is an entry in ClinVar:

ClinVar aggregate classification (germline): Uncertain significance. Review status: criteria provided, multiple submitters, no conflicts (2 of 4 stars). 3 submissions from 3 submitters: Uncertain significance (3). Last evaluated 2025-01-17.

Conditions:
Hereditary spherocytosis type 1. Also called: Spherocytosis type 1; ANK1-Related Spherocytosis. Identifiers: Orphanet 822, MedGen C2674218, MONDO:0008447, OMIM 182900.
Inborn genetic diseases. Identifiers: MedGen C0950123, MeSH D030342.

Allele frequency attached by ClinVar (database versions not stated): TOPMed below 0.00001; gnomAD 0.00001; gnomAD exomes 0.00002; ExAC 0.00004.
gnomAD v4.1: 35 of 1,613,256 alleles (0.0022%); highest among the groups gnomAD compares: South Asian, 0.022%; no homozygotes.

Submissions (3):

Ambry Genetics
Classification: Uncertain significance for Inborn genetic diseases. Last evaluated: 2025-01-17. Review status: criteria provided, single submitter. Criteria: Ambry Variant Classification Scheme 2023. Collection method: clinical testing. Allele origin: germline.

Neuberg Centre For Genomic Medicine, NCGM
Classification: Uncertain significance for Hereditary spherocytosis type 1. Last evaluated: 2023-05-20. Review status: criteria provided, single submitter. Criteria: ACMG Guidelines, 2015. Collection method: clinical testing. Allele origin: germline. Inheritance: Autosomal dominant inheritance. Affected: yes.
Comment: The missense c.2855G>A(p.Arg952His) variant in the ANK1 gene has not been reported previously as a pathogenic variant nor as a benign variant, to our knowledge. This variant is reported with the allele frequency (0.003%) in the gnomAD Exomes. This variant has been reported to the ClinVar database as Uncertain Significance. However, no details are available for independent assessment. The amino acid Arginine at position 952 is changed to a Histidine changing protein sequence and it might alter its composition and physico-chemical properties. The amino acid change p.Arg952His in ANK1 is predicted as conserved by GERP++ and PhyloP across 100 vertebrates. Multiple lines of computational evidence (Polyphen - Damaging, SIFT - Damaging and MutationTaster - Disease causing) predict a damaging effect on protein structure and function for this variant. For these reasons, this variant has been classified as Uncertain Significance.

Labcorp Genetics (formerly Invitae), Labcorp
Classification: Uncertain significance. Last evaluated: 2022-01-05. Review status: criteria provided, single submitter. Criteria: Invitae Variant Classification Sherloc (09022015). Collection method: clinical testing. Allele origin: germline.
Comment: This sequence change replaces arginine, which is basic and polar, with histidine, which is basic and polar, at codon 952 of the ANK1 protein (p.Arg952His). In summary, the available evidence is currently insufficient to determine the role of this variant in disease. Therefore, it has been classified as a Variant of Uncertain Significance. Algorithms developed to predict the effect of missense changes on protein structure and function are either unavailable or do not agree on the potential impact of this missense change (SIFT: "Tolerated"; PolyPhen-2: "Probably Damaging"; Align-GVGD: "Class C0"). This variant has not been reported in the literature in individuals affected with ANK1-related conditions. This variant is present in population databases (rs780841364, gnomAD 0.02%).

NM_000037.4(ANK1):c.2855G>A (p.Arg952His)

Gene: ANK1 (ankyrin 1; minus strand). Cytogenetic location: 8p11.21.
Variant type: single nucleotide variant.
Coding change: c.2855G>A on transcript NM_000037.4 (MANE Select); coding-DNA position 2855, G replaced by A.
Protein change: p.Arg952His; replaces arginine 952 with histidine.
Molecular consequence: missense variant.
Genome position (GRCh38, 1-based): chr8:41,696,468, C>T on the plus strand (G>A on the coding strand, the complement: ANK1 is on the minus strand). VCF-style: chr8-41696468-C-T. GRCh37 (hg19) VCF-style: chr8-41553986-C-T.
Other names: c.2855G>A (NM_000037.3); c.2978G>A, p.Arg993His (NM_001142446.2); c.2855G>A, p.Arg952His (NM_020475.3, NM_020476.3, NM_020477.3); short protein forms R952H, R993H.
Identifiers: ClinVar variation 2065123 (VCV002065123.7), dbSNP rs780841364, ClinGen allele CA4728062.